The following is an entry in ClinVar:

NM_018060.4(IARS2):c.2630A>G (p.Glu877Gly)

Gene: IARS2 (isoleucyl-tRNA synthetase 2, mitochondrial; plus strand). Cytogenetic location: 1q41.
Variant type: single nucleotide variant.
Coding change: c.2630A>G on transcript NM_018060.4 (MANE Select); coding-DNA position 2630, A replaced by G.
Protein change: p.Glu877Gly; replaces glutamic acid 877 with glycine.
Molecular consequence: missense variant.
Genome position (GRCh38, 1-based): chr1:220,143,013, A>G. VCF-style: chr1-220143013-A-G. GRCh37 (hg19) VCF-style: chr1-220316355-A-G.
Other names: short protein forms E877G.
Identifiers: ClinVar variation 2827359 (VCV002827359.2), dbSNP rs2528584997, ClinGen allele CA344617628.

ClinVar aggregate classification (germline): Uncertain significance (1 of 4 stars; one submission).

Allele frequency attached by ClinVar (database versions not stated): gnomAD exomes below 0.00001.
gnomAD v4.1: 2 of 1,614,134 alleles (0.00012%); highest among the groups gnomAD compares: Non-Finnish European, 0.00017%; no homozygotes.

Submission:

Labcorp Genetics (formerly Invitae), Labcorp
Classification: Uncertain significance. Last evaluated: 2023-01-09. Review status: criteria provided, single submitter. Criteria: Invitae Variant Classification Sherloc (09022015). Collection method: clinical testing. Allele origin: germline.
Comment: This sequence change replaces glutamic acid, which is acidic and polar, with glycine, which is neutral and non-polar, at codon 877 of the IARS2 protein (p.Glu877Gly). This variant is not present in population databases (gnomAD no frequency). This variant has not been reported in the literature in individuals affected with IARS2-related conditions. Algorithms developed to predict the effect of missense changes on protein structure and function are either unavailable or do not agree on the potential impact of this missense change (SIFT: "Tolerated"; PolyPhen-2: "Probably Damaging"; Align-GVGD: "Class C0"). In summary, the available evidence is currently insufficient to determine the role of this variant in disease. Therefore, it has been classified as a Variant of Uncertain Significance.